The following is an entry in ClinVar:

ClinVar aggregate classification (germline): Conflicting classifications of pathogenicity. Review status: criteria provided, conflicting classifications (1 of 4 stars). 8 submissions from 8 submitters: Pathogenic (2); Likely pathogenic (4); Uncertain significance (1). 1 of the submissions does not count toward it. Last evaluated 2026-01-08.

Conditions:
PKHD1-related disorder. Also called: PKHD1-related condition.
Polycystic kidney disease 4 (PKD4). Also called: Autosomal Recessive Polycystic Kidney Disease – PKHD1; PKD3; POLYCYSTIC KIDNEY DISEASE 4 WITH OR WITHOUT POLYCYSTIC LIVER DISEASE; POLYCYSTIC KIDNEY AND HEPATIC DISEASE 1; POLYCYSTIC KIDNEY DISEASE, INFANTILE, TYPE I. Identifiers: MedGen C4540575, MONDO:0033004, OMIM 263200.
Autosomal recessive polycystic kidney disease (ARPKD). Also called: AR polycystic kidney disease. Identifiers: Orphanet 731, Orphanet 8378, MedGen C0085548, MeSH D017044, MONDO:0009889.

Allele frequency attached by ClinVar (database versions not stated): gnomAD 0.00001; gnomAD exomes 0.00001 and 0.00002; ExAC 0.00002; TOPMed 0.00002.
gnomAD v4.1: 17 of 1,614,048 alleles (0.0011%); highest among the groups gnomAD compares: Non-Finnish European, 0.0014%; no homozygotes.

Submissions (8):

Myriad Genetics, Inc.
Classification: Likely pathogenic for Polycystic kidney disease 4. Last evaluated: 2026-01-08. Review status: criteria provided, single submitter. Criteria: Myriad Autosomal Dominant, Autosomal Recessive and X-Linked Classification Criteria (2023). Collection method: clinical testing. Allele origin: unknown.
Comment: NM_138694.3(PKHD1):c.3747T>G(C1249W) is a missense variant classified as likely pathogenic in the context of autosomal recessive polycystic kidney disease, PKHD1-related. C1249W has been observed in cases with relevant disease (PMID: 29956005, 20413436, 16523049). Relevant functional assessments of this variant are not available in the literature. C1249W has been observed in referenced population frequency databases. In summary, NM_138694.3(PKHD1):c.3747T>G(C1249W) is a missense variant that has been observed more frequently in cases with the relevant disease than in healthy populations. Please note: this variant was assessed in the context of healthy population screening.

Natera, Inc.
Classification: Likely pathogenic for Autosomal recessive polycystic kidney disease. Last evaluated: 2025-10-14. Review status: criteria provided, single submitter. Criteria: Natera Variant Classification Schema (03/2026). Collection method: clinical testing. Allele origin: germline.
Comment: The c.3747T>G variant in PKHD1 is a missense variant predicted to cause substitution of cysteine to tryptophan at amino acid 1249. This variant is rare in the general population with a frequency below the threshold expected for the associated phenotype(s). This variant has been observed in one or more individuals affected with the associated recessive disease, as either homozygous or compound heterozygous with a second variant (PMID: 29956005, 19914852, 34573383). Computational prediction algorithms indicate this variant is likely to affect gene or protein function. Given the available evidence, this variant is classified as Likely Pathogenic.

Labcorp Genetics (formerly Invitae), Labcorp
Classification: Pathogenic for Autosomal recessive polycystic kidney disease. Last evaluated: 2025-06-27. Review status: criteria provided, single submitter. Criteria: Invitae Variant Classification Sherloc (09022015). Collection method: clinical testing. Allele origin: germline.
Comment: This sequence change replaces cysteine, which is neutral and slightly polar, with tryptophan, which is neutral and slightly polar, at codon 1249 of the PKHD1 protein (p.Cys1249Trp). This variant is present in population databases (rs748540413, gnomAD 0.005%). This missense change has been observed in individual(s) with autosomal recessive polycystic kidney disease (PMID: 11919560, 19914852, 29956005; internal data). In at least one individual the data is consistent with being in trans (on the opposite chromosome) from a pathogenic variant. ClinVar contains an entry for this variant (Variation ID: 552624). Invitae Evidence Modeling of protein sequence and biophysical properties (such as structural, functional, and spatial information, amino acid conservation, physicochemical variation, residue mobility, and thermodynamic stability) has been performed for this missense variant. However, the output from this modeling did not meet the statistical confidence thresholds required to predict the impact of this variant on PKHD1 protein function. For these reasons, this variant has been classified as Pathogenic.

PreventionGenetics, part of Exact Sciences
Classification: Pathogenic for PKHD1-related condition. Last evaluated: 2024-12-30. Review status: criteria provided, single submitter. Criteria: ACMG Guidelines, 2015. Collection method: clinical testing. Allele origin: germline.
Comment: The PKHD1 c.3747T>G variant is predicted to result in the amino acid substitution p.Cys1249Trp. This variant has been reported to be causative for autosomal recessive polycystic kidney disease (ARPKD) (Ward et al. 2002. PubMed ID: 11919560; Gunay-Aygun et al. 2010. PubMed ID: 19914852; Szabó et al. 2018. PubMed ID: 29956005). This variant is reported in 0.0048% of alleles in individuals of European (non-Finnish) descent in gnomAD. This variant is interpreted as pathogenic.

GeneDx
Classification: Likely pathogenic. Last evaluated: 2024-09-22. Review status: criteria provided, single submitter. Criteria: GeneDx Variant Classification Process June 2021. Collection method: clinical testing. Allele origin: germline. Affected: yes.
Comment: In silico analysis supports that this missense variant has a deleterious effect on protein structure/function; Not observed at significant frequency in large population cohorts (gnomAD); This variant is associated with the following publications: (PMID: 11919560, 19914852, 20413436, 12506140, 12925574, 15805161, 38885798, 34573383, 16523049, 14741187, 15108277, 29956005)

Blueprint Genetics
Classification: Uncertain significance. Last evaluated: 2022-08-05. Review status: criteria provided, single submitter. Criteria: ACMG Guidelines, 2015. Collection method: clinical testing. Allele origin: germline.

Women's Health and Genetics/Laboratory Corporation of America, LabCorp
Classification: Likely pathogenic for Autosomal recessive polycystic kidney disease. Last evaluated: 2021-08-26. Review status: criteria provided, single submitter. Criteria: LabCorp Variant Classification Summary - May 2015. Collection method: clinical testing. Allele origin: germline.
Comment: Variant summary: PKHD1 c.3747T>G (p.Cys1249Trp) results in a non-conservative amino acid change located in the IPT domain (IPR002909) of the encoded protein sequence. Five of five in-silico tools predict a damaging effect of the variant on protein function. The variant allele was found at a frequency of 1.6e-05 in 251112 control chromosomes (gnomAD and publication data). c.3747T>G has been reported in the literature in individuals affected with autosomal recessive polycystic kidney disease (Ward_2002, Bergmann_2003, Gunay-Aygun_2009, Szabo_2018). These data indicate that the variant is likely to be associated with disease. To our knowledge, no experimental evidence demonstrating an impact on protein function has been reported. Three ClinVar submitters (evaluation after 2014) cite the variant as uncertain significance (n=1) and pathogenic (n=2). Based on the evidence outlined above, the variant was classified as likely pathogenic.

Counsyl
Classification: Uncertain significance for Polycystic kidney disease 4. Last evaluated: 2017-06-28. Review status: no assertion criteria provided. Collection method: clinical testing. Allele origin: unknown. Not counted in ClinVar's aggregate classification.

Literature cited by the submitters: PubMed 16523049 (cited by 3 submitters); PubMed 20413436 (cited by 3 submitters); PubMed 29956005 (cited by 4 submitters); PubMed 19914852 (cited by 3 submitters); PubMed 34573383 (cited by Natera, Inc.); PubMed 11919560 (cited by 3 submitters); PubMed 15805161 (cited by Women's Health and Genetics/Laboratory Corporation of America, LabCorp); PubMed 15108277 (cited by Women's Health and Genetics/Laboratory Corporation of America, LabCorp); PubMed 12506140 (cited by Women's Health and Genetics/Laboratory Corporation of America, LabCorp); PubMed 14741187 (cited by Women's Health and Genetics/Laboratory Corporation of America, LabCorp); PubMed 12925574 (cited by Women's Health and Genetics/Laboratory Corporation of America, LabCorp).

NM_138694.4(PKHD1):c.3747T>G (p.Cys1249Trp)

Gene: PKHD1 (PKHD1 ciliary IPT domain containing fibrocystin/polyductin; minus strand). Cytogenetic location: 6p12.2.
Variant type: single nucleotide variant.
Coding change: c.3747T>G on transcript NM_138694.4 (MANE Select); coding-DNA position 3747, T replaced by G.
Protein change: p.Cys1249Trp; replaces cysteine 1249 with tryptophan.
Molecular consequence: missense variant.
Genome position (GRCh38, 1-based): chr6:52,026,063, A>C on the plus strand (T>G on the coding strand, the complement: PKHD1 is on the minus strand). VCF-style: chr6-52026063-A-C. GRCh37 (hg19) VCF-style: chr6-51890861-A-C.
Other names: c.3747T>G, p.Cys1249Trp (NM_170724.3); short protein forms C1249W.
Identifiers: ClinVar variation 552624 (VCV000552624.21), dbSNP rs748540413, ClinGen allele CA3852850.